The following is an entry in ClinVar:

ClinVar aggregate classification (germline): Uncertain significance (1 of 4 stars; one submission).

Allele frequency attached by ClinVar (database versions not stated): ExAC 0.00001; gnomAD 0.00001; ESP Exome Variant Server 0.00008; gnomAD exomes below 0.00001 and 0.00001; TOPMed 0.00001.
gnomAD v4.1: 5 of 1,612,600 alleles (0.00031%); highest among the groups gnomAD compares: African/African-American, 0.0013%; no homozygotes.

Submission:

Labcorp Genetics (formerly Invitae), Labcorp
Classification: Uncertain significance. Last evaluated: 2025-08-20. Review status: criteria provided, single submitter. Criteria: Invitae Variant Classification Sherloc (09022015). Collection method: clinical testing. Allele origin: germline.
Comment: This sequence change replaces histidine, which is basic and polar, with arginine, which is basic and polar, at codon 873 of the LEMD3 protein (p.His873Arg). This variant is present in population databases (rs149439907, gnomAD 0.002%). This variant has not been reported in the literature in individuals affected with LEMD3-related conditions. ClinVar contains an entry for this variant (Variation ID: 1365689). Invitae Evidence Modeling of protein sequence and biophysical properties (such as structural, functional, and spatial information, amino acid conservation, physicochemical variation, residue mobility, and thermodynamic stability) has been performed for this missense variant. However, the output from this modeling did not meet the statistical confidence thresholds required to predict the impact of this variant on LEMD3 protein function. In summary, the available evidence is currently insufficient to determine the role of this variant in disease. Therefore, it has been classified as a Variant of Uncertain Significance.

NM_014319.5(LEMD3):c.2618A>G (p.His873Arg)

Gene: LEMD3 (LEM domain containing 3; plus strand). Cytogenetic location: 12q14.3.
Variant type: single nucleotide variant.
Coding change: c.2618A>G on transcript NM_014319.5 (MANE Select); coding-DNA position 2618, A replaced by G.
Protein change: p.His873Arg; replaces histidine 873 with arginine.
Molecular consequence: missense variant.
Genome position (GRCh38, 1-based): chr12:65,246,207, A>G. VCF-style: chr12-65246207-A-G. GRCh37 (hg19) VCF-style: chr12-65639987-A-G.
Other names: c.2615A>G, p.His872Arg (NM_001167614.2); short protein forms H872R, H873R.
Identifiers: ClinVar variation 1365689 (VCV001365689.6), dbSNP rs149439907, ClinGen allele CA6671273.